The following is an entry in ClinVar:

NM_014363.6(SACS):c.2671_2675del (p.Gln891fs)

Gene: SACS (sacsin molecular chaperone; minus strand). Cytogenetic location: 13q12.12.
Variant type: Deletion.
Coding change: c.2671_2675del on transcript NM_014363.6 (MANE Select); coding-DNA positions 2671 to 2675, 5 bases deleted (CAAAT; older notation c.2671_2675delCAAAT).
Protein change: p.Gln891fs; shifts the reading frame from glutamine 891.
Molecular consequence: frameshift variant.
Genome position (GRCh38, 1-based): chr13:23,341,201-23,341,205, ATTTG deleted on the plus strand (CAAAT on the coding strand, the reverse complement: SACS is on the minus strand); deleting any 5 consecutive bases within chr13:23,341,201-23,341,208 gives the same sequence; the c. name uses the placement nearest the transcript's 3' end. VCF-style (leftmost placement, unchanged base first): chr13-23341200-TATTTG-T. GRCh37 (hg19) VCF-style: chr13-23915339-TATTTG-T.
Other names: p.Gln891Asnfs*17; c.2671_2675del (NM_014363.5); c.2230_2234del, p.Gln744fs (NM_001278055.2); short protein forms Q744fs, Q891fs.
Identifiers: ClinVar variation 3381095 (VCV003381095.2).

ClinVar aggregate classification (germline): Likely pathogenic. Review status: criteria provided, multiple submitters, no conflicts (2 of 4 stars). 2 submissions from 2 submitters: Likely pathogenic (2). Last evaluated 2024-08-23.

Conditions:
Charlevoix-Saguenay spastic ataxia (SACS). Also called: SPASTIC ATAXIA 6, AUTOSOMAL RECESSIVE; AUTOSOMAL RECESSIVE SPASTIC ATAXIA OF CHARLEVOIX-SAGUENAY; Spastic ataxia of Charlevoix-Saguenay. Identifiers: Orphanet 98, MedGen C1849140, MONDO:0010041, OMIM 270550.

Submissions (2):

Mayo Clinic Laboratories, Mayo Clinic
Classification: Likely pathogenic. Last evaluated: 2024-08-23. Review status: criteria provided, single submitter. Criteria: ACMG Guidelines, 2015. Collection method: clinical testing. Allele origin: germline. Observed: 1 variant allele.
Comment: PM2, PVS1_strong

Natera, Inc.
Classification: Likely pathogenic for Charlevoix-Saguenay type spastic ataxia. Last evaluated: 2024-06-05. Review status: criteria provided, single submitter. Criteria: Natera Variant Classification Schema (03/2026). Collection method: clinical testing. Allele origin: germline.
Comment: The c.2671_2675del variant in SACS is a frameshift variant predicted to shift the reading frame beginning at codon 891 and leads to a stop codon 17 codons downstream. This variant is expected to result in nonsense mediated decay, truncation, or a dysfunctional protein product. This variant is rare in the general population with a frequency below the threshold expected for the associated phenotype(s). Given the available evidence, this variant is classified as Likely Pathogenic.